The following is an entry in ClinVar:

NM_002474.3(MYH11):c.1419G>A (p.Gln473=)

Gene: MYH11 (myosin heavy chain 11; minus strand). Cytogenetic location: 16p13.11.
Variant type: single nucleotide variant.
Coding change: c.1419G>A on transcript NM_002474.3 (MANE Select); coding-DNA position 1419, G replaced by A.
Protein change: p.Gln473=; no amino-acid change (glutamine 473 retained).
Molecular consequence: synonymous variant.
Genome position (GRCh38, 1-based): chr16:15,757,983, C>T on the plus strand (G>A on the coding strand, the complement: MYH11 is on the minus strand). VCF-style: chr16-15757983-C-T. GRCh37 (hg19) VCF-style: chr16-15851840-C-T.
Other names: p.Q473Q:CAG>CAA; p.Gln480=; c.1440G>A, p.Gln480= (NM_001040113.2, NM_001040114.2); c.1419G>A, p.Gln473= (NM_022844.3).
Identifiers: ClinVar variation 138372 (VCV000138372.63), dbSNP rs61734198, ClinGen allele CA292368.
Genomic context (GRCh38, chr16:15,757,983, plus strand): 5'-GATGAACATGGTGTGGTTGAAGAGCTGCTGCAGCTTCTCGTTGGTGTAGTTGATGCACAG[C>T]TGCTCGAAGGAGTTCACCTGAGCACATGGCGTGGGGGCGGGGCGTGAGCATCTTGGTATG-3'
Protein context (NP_002465.1, residues 463-483): FEIFEVNSFE[Gln473=]LCINYTNEKL

ClinVar aggregate classification (germline): Benign/Likely benign. Review status: criteria provided, multiple submitters, no conflicts (2 of 4 stars). 16 submissions from 16 submitters: Benign (11); Likely benign (2). 3 of the submissions do not count toward it. Last evaluated 2026-03-27.

Conditions:
Cardiovascular phenotype. Identifiers: MedGen CN230736.
Familial thoracic aortic aneurysm and aortic dissection (TAAD). Also called: Thoracic aortic aneurysms and dissections. Identifiers: Orphanet 91387, MedGen C4707243, MONDO:0019625.
Aortic aneurysm, familial thoracic 4 (AAT4). Also called: AORTIC ANEURYSM/AORTIC DISSECTION AND PATENT DUCTUS ARTERIOSUS. Identifiers: MedGen C1851504, MONDO:0007568, OMIM 132900.

Allele frequency attached by ClinVar (database versions not stated): gnomAD exomes 0.00081 and 0.00153; ExAC 0.00166; 1000 Genomes Project 30x 0.00328; 1000 Genomes Project 0.00359; gnomAD 0.00489 and 0.00535; TOPMed 0.00558; ESP Exome Variant Server 0.00662.
gnomAD v4.1: 1,994 of 1,614,036 alleles (0.12%); highest among the groups gnomAD compares: African/African-American, 1.6%; 12 homozygotes.

Submissions (16):

Molecular Diagnostic Laboratory for Inherited Cardiovascular Disease, Montreal Heart Institute
Classification: Benign. Last evaluated: 2026-03-27. Review status: criteria provided, single submitter. Criteria: ACMG Guidelines, 2015. Collection method: clinical testing. Allele origin: germline. Affected: no.

Labcorp Genetics (formerly Invitae), Labcorp
Classification: Benign for Aortic aneurysm, familial thoracic 4. Last evaluated: 2026-01-28. Review status: criteria provided, single submitter. Criteria: Invitae Variant Classification Sherloc (09022015). Collection method: clinical testing. Allele origin: germline.

ARUP Laboratories, Molecular Genetics and Genomics, ARUP Laboratories
Classification: Benign. Last evaluated: 2025-05-20. Review status: criteria provided, single submitter. Criteria: ARUP Molecular Germline Variant Investigation Process 2024. Collection method: clinical testing. Allele origin: germline.

Blueprint Genetics
Classification: Likely benign. Last evaluated: 2024-10-14. Review status: criteria provided, single submitter. Criteria: ACMG Guidelines, 2015. Collection method: clinical testing. Allele origin: germline.

CeGaT Center for Human Genetics Tuebingen
Classification: Benign. Last evaluated: 2024-03-01. Review status: criteria provided, single submitter. Criteria: CeGaT Center For Human Genetics Tuebingen Variant Classification Criteria Version 2. Collection method: clinical testing. Allele origin: germline. Affected: yes. Observed: 6 variant alleles.
Comment: MYH11: BP4, BP7, BS1, BS2

All of Us Research Program, National Institutes of Health
Classification: Benign for Familial thoracic aortic aneurysm and aortic dissection. Last evaluated: 2024-02-05. Review status: criteria provided, single submitter. Criteria: ACMG Guidelines, 2015. Collection method: clinical testing. Allele origin: germline. Inheritance: Autosomal dominant inheritance. Observed: 406 variant alleles, 404 heterozygotes, 2 homozygotes.
Comment: This study involves interpretation of variants in research participants for the purpose of population health screening. Participant phenotype was not available at the time of variant classification. Additional details can be found in publication PMID: 35346344, PMCID: PMC8962531

Color Diagnostics, LLC DBA Color Health
Classification: Benign for Familial thoracic aortic aneurysm and aortic dissection. Last evaluated: 2018-03-07. Review status: criteria provided, single submitter. Criteria: ACMG Guidelines, 2015. Collection method: clinical testing. Allele origin: germline.

Illumina Laboratory Services, Illumina
Classification: Likely benign for Aortic aneurysm, familial thoracic 4. Last evaluated: 2018-01-13. Review status: criteria provided, single submitter. Criteria: ICSL Variant Classification Criteria 13 December 2019. Collection method: clinical testing. Allele origin: germline.
Comment: This variant was observed in the ICSL laboratory as part of a predisposition screen in an ostensibly healthy population. It had not been previously curated by ICSL or reported in the Human Gene Mutation Database (HGMD: prior to June 1st, 2018), and was therefore a candidate for classification through an automated scoring system. Utilizing variant allele frequency, disease prevalence and penetrance estimates, and inheritance mode, an automated score was calculated to assess if this variant is too frequent to cause the disease. Based on the score and internal cut-off values, a variant classified as likely benign is not then subjected to further curation. The score for this variant resulted in a classification of likely benign for this disease.

CHEO Genetics Diagnostic Laboratory, Children's Hospital of Eastern Ontario
Classification: Benign for Familial thoracic aortic aneurysm and aortic dissection. Last evaluated: 2016-06-23. Review status: criteria provided, single submitter. Criteria: ACMG Guidelines, 2015. Collection method: clinical testing. Allele origin: germline. Study: Canadian Open Genetics Repository.

Mayo Clinic Laboratories, Mayo Clinic
Classification: Benign. Last evaluated: 2016-04-12. Review status: criteria provided, single submitter. Criteria: ACMG Guidelines, 2015. Collection method: clinical testing. Allele origin: germline. Observed: 3 variant alleles.

Ambry Genetics
Classification: Benign for Cardiovascular phenotype. Last evaluated: 2015-08-11. Review status: criteria provided, single submitter. Criteria: Ambry Autosomal Dominant and X-Linked criteria (10/2015). Collection method: clinical testing. Allele origin: germline. Observed: 1 variant allele.
Comment: General population or subpopulation frequency is too high to be a pathogenic mutation based on disease/syndrome prevalence and penetrance

GeneDx
Classification: Benign. Last evaluated: 2013-07-31. Review status: criteria provided, single submitter. Criteria: GeneDx Variant Classification (06012015). Collection method: clinical testing. Allele origin: germline. Affected: yes.
Comment: This variant is considered likely benign or benign based on one or more of the following criteria: it is a conservative change, it occurs at a poorly conserved position in the protein, it is predicted to be benign by multiple in silico algorithms, and/or has population frequency not consistent with disease.

PreventionGenetics, part of Exact Sciences
Classification: Benign. Review status: criteria provided, single submitter. Criteria: ACMG Guidelines, 2015. Collection method: clinical testing. Allele origin: germline.

Clinical Genetics DNA and cytogenetics Diagnostics Lab, Erasmus MC, Erasmus Medical Center
Classification: Benign. Review status: no assertion criteria provided. Collection method: clinical testing. Allele origin: germline. Affected: yes. Study: VKGL Data-share Consensus. Not counted in ClinVar's aggregate classification.

Genome Diagnostics Laboratory, Amsterdam University Medical Center
Classification: Benign. Review status: no assertion criteria provided. Collection method: clinical testing. Allele origin: germline. Affected: yes. Study: VKGL Data-share Consensus. Not counted in ClinVar's aggregate classification.

Genome Diagnostics Laboratory, University Medical Center Utrecht
Classification: Benign. Review status: no assertion criteria provided. Collection method: clinical testing. Allele origin: germline. Affected: yes. Study: VKGL Data-share Consensus. Not counted in ClinVar's aggregate classification.